The following is an entry in ClinVar:

NM_002739.5(PRKCG):c.498G>T (p.Arg166=)

Gene: PRKCG (protein kinase C gamma; plus strand). Cytogenetic location: 19q13.42.
Variant type: single nucleotide variant.
Coding change: c.498G>T on transcript NM_002739.5 (MANE Select); coding-DNA position 498, G replaced by T.
Protein change: p.Arg166=; no amino-acid change (arginine 166 retained).
Molecular consequence: synonymous variant.
Genome position (GRCh38, 1-based): chr19:53,889,986, G>T. VCF-style: chr19-53889986-G-T. GRCh37 (hg19) VCF-style: chr19-54393240-G-T.
Other names: p.Arg166=; c.498G>T (NM_002739.4); c.498G>T, p.Arg166= (NM_001316329.2).
Identifiers: ClinVar variation 894618 (VCV000894618.7), dbSNP rs148370843, ClinGen allele CA9640300.

ClinVar aggregate classification (germline): Benign. Review status: criteria provided, multiple submitters, no conflicts (2 of 4 stars). 3 submissions from 3 submitters: Benign (2). 1 of the submissions does not count toward it. Last evaluated 2025-06-02.

Conditions:
PRKCG-related disorder. Also called: PRKCG-related condition.
Spinocerebellar ataxia type 14 (SCA14). Identifiers: Orphanet 98763, MedGen C1854369, MONDO:0011540, OMIM 605361.

Allele frequency attached by ClinVar (database versions not stated): TOPMed 0.00002; gnomAD 0.00007; gnomAD exomes 0.00007; ExAC 0.00039; 1000 Genomes Project 30x 0.00094; 1000 Genomes Project 0.00120.
gnomAD v4.1: 336 of 1,570,834 alleles (0.021%); highest among the groups gnomAD compares: East Asian, 0.79%; 6 homozygotes.

Submissions (3):

Mayo Clinic Laboratories, Mayo Clinic
Classification: Benign. Last evaluated: 2025-06-02. Review status: criteria provided, single submitter. Criteria: ACMG Guidelines, 2015. Collection method: clinical testing. Allele origin: germline. Observed: 1 variant allele.
Comment: BA1, BP4, BP7

Illumina Laboratory Services, Illumina
Classification: Benign for Spinocerebellar ataxia type 14. Last evaluated: 2018-01-13. Review status: criteria provided, single submitter. Criteria: ICSL Variant Classification Criteria 13 December 2019. Collection method: clinical testing. Allele origin: germline.
Comment: This variant was observed in the ICSL laboratory as part of a predisposition screen in an ostensibly healthy population. It had not been previously curated by ICSL or reported in the Human Gene Mutation Database (HGMD: prior to June 1st, 2018), and was therefore a candidate for classification through an automated scoring system. Utilizing variant allele frequency, disease prevalence and penetrance estimates, and inheritance mode, an automated score was calculated to assess if this variant is too frequent to cause the disease. Based on the score and internal cut-off values, a variant classified as benign is not then subjected to further curation. The score for this variant resulted in a classification of benign for this disease.

PreventionGenetics, part of Exact Sciences
Classification: Likely benign for PRKCG-related condition. Last evaluated: 2020-05-04. Review status: no assertion criteria provided. Collection method: clinical testing. Allele origin: germline. Not counted in ClinVar's aggregate classification.
Comment: This variant is classified as likely benign based on ACMG/AMP sequence variant interpretation guidelines (Richards et al. 2015 PMID: 25741868, with internal and published modifications).